The following is an entry in ClinVar:

ClinVar aggregate classification (germline): Uncertain significance (1 of 4 stars; one submission).

Conditions:
POLD1-related polyposis and colorectal cancer syndrome (CRCS10). Also called: Colorectal cancer 10; COLORECTAL CANCER, SUSCEPTIBILITY TO, ON CHROMOSOME 19q; Colorectal cancer, susceptibility to, 10. Identifiers: Orphanet 220460, MedGen C2675481, MONDO:0012953, OMIM 612591.

Submission:

Labcorp Genetics (formerly Invitae), Labcorp
Classification: Uncertain significance for POLD1-related polyposis and colorectal cancer syndrome. Last evaluated: 2024-02-23. Review status: criteria provided, single submitter. Criteria: Invitae Variant Classification Sherloc (09022015). Collection method: clinical testing. Allele origin: germline.
Comment: This sequence change creates a premature translational stop signal (p.Ser928Aspfs*28) in the POLD1 gene. Missense variants that disrupt the 3'-5' exonuclease (proof-reading) activity of the POLD1 protein are associated with PPAP (polymerase proofreading–associated polyposis) (PMID: 23263490, 23447401). However, loss-of-function variants that result in an absent or severely disrupted POLD1 protein, and missense variants outside the exonuclease domain, are unlikely to be associated with PPAP. This variant is not present in population databases (gnomAD no frequency). This variant has not been reported in the literature in individuals affected with POLD1-related conditions. In summary, the available evidence is currently insufficient to determine the role of this variant in disease. Therefore, it has been classified as a Variant of Uncertain Significance.

Literature cited by the submitters: PubMed 23263490; PubMed 23447401.

NM_002691.4(POLD1):c.2775_2781dup (p.Ser928fs)

Gene: POLD1 (DNA polymerase delta 1, catalytic subunit; plus strand). Cytogenetic location: 19q13.33.
Variant type: Duplication.
Coding change: c.2775_2781dup on transcript NM_002691.4 (MANE Select); coding-DNA positions 2775 to 2781, 7 bases duplicated (GATCATC; older notation c.2775_2781dupGATCATC).
Protein change: p.Ser928fs; shifts the reading frame from serine 928.
Molecular consequence: frameshift variant.
Genome position (GRCh38, 1-based): chr19:50,415,781-50,415,787, GATCATC duplicated. VCF-style (leftmost placement, unchanged base first): chr19-50415780-T-TGATCATC. GRCh37 (hg19) VCF-style: chr19-50919037-T-TGATCATC.
Other names: c.2775_2781dup, p.Ser928fs (NM_001256849.1); c.2853_2859dup, p.Ser954fs (NM_001308632.1); short protein forms S928fs, S954fs.
Identifiers: ClinVar variation 3642701 (VCV003642701.2).